The following is an entry in ClinVar:

ClinVar aggregate classification (germline): Pathogenic (1 of 4 stars; one submission).

Submission:

Labcorp Genetics (formerly Invitae), Labcorp
Classification: Pathogenic. Last evaluated: 2024-02-14. Review status: criteria provided, single submitter. Criteria: Invitae Variant Classification Sherloc (09022015). Collection method: clinical testing. Allele origin: germline.
Comment: This sequence change creates a premature translational stop signal (p.Glu403Argfs*6) in the MCM3AP gene. It is expected to result in an absent or disrupted protein product. Loss-of-function variants in MCM3AP are known to be pathogenic (PMID: 28633435). This variant is not present in population databases (gnomAD no frequency). This variant has not been reported in the literature in individuals affected with MCM3AP-related conditions. For these reasons, this variant has been classified as Pathogenic.

Literature cited by the submitters: PubMed 28633435.

NM_003906.5(MCM3AP):c.1207_1210del (p.Glu403fs)

Gene: MCM3AP (minichromosome maintenance complex component 3 associated protein; minus strand). Cytogenetic location: 21q22.3.
Variant type: Microsatellite.
Coding change: c.1207_1210del on transcript NM_003906.5 (MANE Select); coding-DNA positions 1207 to 1210, 4 bases deleted (GAGA; older notation c.1207_1210delGAGA).
Protein change: p.Glu403fs; shifts the reading frame from glutamic acid 403.
Molecular consequence: frameshift variant.
Genome position (GRCh38, 1-based): chr21:46,284,077-46,284,080, TCTC deleted on the plus strand (GAGA on the coding strand, the reverse complement: MCM3AP is on the minus strand); deleting any 4 consecutive bases within chr21:46,284,077-46,284,083 gives the same sequence; the c. name uses the placement nearest the transcript's 3' end. VCF-style (leftmost placement, unchanged base first): chr21-46284076-TTCTC-T. GRCh37 (hg19) VCF-style: chr21-47703990-TTCTC-T.
Other names: short protein forms E403fs.
Identifiers: ClinVar variation 3713914 (VCV003713914.2).